The following is an entry in ClinVar:

ClinVar aggregate classification (germline): Uncertain significance (1 of 4 stars; one submission).

Allele frequency attached by ClinVar (database versions not stated): gnomAD exomes below 0.00001.

Submission:

Labcorp Genetics (formerly Invitae), Labcorp
Classification: Uncertain significance. Last evaluated: 2022-09-28. Review status: criteria provided, single submitter. Criteria: Invitae Variant Classification Sherloc (09022015). Collection method: clinical testing. Allele origin: germline.
Comment: In summary, the available evidence is currently insufficient to determine the role of this variant in disease. Therefore, it has been classified as a Variant of Uncertain Significance. Algorithms developed to predict the effect of missense changes on protein structure and function are either unavailable or do not agree on the potential impact of this missense change (SIFT: "Deleterious"; PolyPhen-2: "Possibly Damaging"; Align-GVGD: "Class C0"). This variant has not been reported in the literature in individuals affected with PYCR1-related conditions. This variant is not present in population databases (gnomAD no frequency). This sequence change replaces leucine, which is neutral and non-polar, with methionine, which is neutral and non-polar, at codon 287 of the PYCR1 protein (p.Leu287Met).

NM_006907.4(PYCR1):c.859C>A (p.Leu287Met)

Gene: PYCR1 (pyrroline-5-carboxylate reductase 1; minus strand). Cytogenetic location: 17q25.3.
Variant type: single nucleotide variant.
Coding change: c.859C>A on transcript NM_006907.4 (MANE Select); coding-DNA position 859, C replaced by A.
Protein change: p.Leu287Met; replaces leucine 287 with methionine.
Molecular consequence: missense variant. On other transcripts: 3 prime UTR variant (1).
Genome position (GRCh38, 1-based): chr17:81,933,315, G>T on the plus strand (C>A on the coding strand, the complement: PYCR1 is on the minus strand). VCF-style: chr17-81933315-G-T. GRCh37 (hg19) VCF-style: chr17-79891191-G-T.
Other names: c.766C>A, p.Leu256Met (NM_001282279.2); c.859C>A, p.Leu287Met (NM_001282280.2, NM_153824.3); c.940C>A, p.Leu314Met (NM_001282281.2); c.*41C>A (NM_001330523.2); short protein forms L314M, L256M, L287M.
Identifiers: ClinVar variation 1995902 (VCV001995902.4), dbSNP rs2510111141, ClinGen allele CA401536618.